The following is an entry in ClinVar:

ClinVar aggregate classification (germline): Conflicting classifications of pathogenicity. Review status: criteria provided, conflicting classifications (1 of 4 stars). 2 submissions from 2 submitters: Uncertain significance (1); Benign (1). Last evaluated 2024-02-10.

Allele frequency attached by ClinVar (database versions not stated): ExAC 0.00001; gnomAD exomes 0.00001 and 0.00002; TOPMed 0.00001.
gnomAD v4.1: 27 of 1,613,980 alleles (0.0017%); highest among the groups gnomAD compares: Non-Finnish European, 0.0021%; no homozygotes.

Submissions (2):

Labcorp Genetics (formerly Invitae), Labcorp
Classification: Uncertain significance. Last evaluated: 2024-02-10. Review status: criteria provided, single submitter. Criteria: Invitae Variant Classification Sherloc (09022015). Collection method: clinical testing. Allele origin: germline.
Comment: This sequence change replaces isoleucine, which is neutral and non-polar, with threonine, which is neutral and polar, at codon 602 of the ADGRE2 protein (p.Ile602Thr). This variant is present in population databases (rs534741485, gnomAD 0.002%). This variant has not been reported in the literature in individuals affected with ADGRE2-related conditions. ClinVar contains an entry for this variant (Variation ID: 1685261). An algorithm developed to predict the effect of missense changes on protein structure and function (PolyPhen-2) suggests that this variant is likely to be disruptive. In summary, the available evidence is currently insufficient to determine the role of this variant in disease. Therefore, it has been classified as a Variant of Uncertain Significance.

Mendelics
Classification: Benign. Last evaluated: 2022-05-04. Review status: criteria provided, single submitter. Criteria: Mendelics Assertion Criteria 2019. Collection method: clinical testing. Allele origin: germline.

NM_013447.4(ADGRE2):c.1805T>C (p.Ile602Thr)

Gene: ADGRE2 (adhesion G protein-coupled receptor E2; minus strand). Cytogenetic location: 19p13.12.
Variant type: single nucleotide variant.
Coding change: c.1805T>C on transcript NM_013447.4 (MANE Select); coding-DNA position 1805, T replaced by C.
Protein change: p.Ile602Thr; replaces isoleucine 602 with threonine.
Molecular consequence: missense variant.
Genome position (GRCh38, 1-based): chr19:14,751,655, A>G on the plus strand (T>C on the coding strand, the complement: ADGRE2 is on the minus strand). VCF-style: chr19-14751655-A-G. GRCh37 (hg19) VCF-style: chr19-14862467-A-G.
Other names: c.1631T>C, p.Ile544Thr (NM_001271052.1); short protein forms I544T, I602T.
Identifiers: ClinVar variation 1685261 (VCV001685261.4), dbSNP rs534741485, ClinGen allele CA9257578.